The following is an entry in ClinVar:

ClinVar aggregate classification (germline): Uncertain significance (1 of 4 stars; one submission).

Conditions:
Usher syndrome type 3B. Also called: USHER SYNDROME, TYPE IIIB. Identifiers: MedGen C3281066, MONDO:0013788, OMIM 614504.

Allele frequency attached by ClinVar (database versions not stated): gnomAD exomes 0.00001 and 0.00002; ExAC 0.00002.

Submission:

Labcorp Genetics (formerly Invitae), Labcorp
Classification: Uncertain significance for Usher syndrome type 3B. Last evaluated: 2026-01-26. Review status: criteria provided, single submitter. Criteria: Invitae Variant Classification Sherloc (09022015). Collection method: clinical testing. Allele origin: germline.
Comment: This sequence change replaces valine, which is neutral and non-polar, with alanine, which is neutral and non-polar, at codon 238 of the HARS protein (p.Val238Ala). This variant is present in population databases (rs536175170, gnomAD 0.003%). This missense change has been observed in individual(s) with peripheral neuropathy (PMID: 22930593). ClinVar contains an entry for this variant (Variation ID: 1020003). Invitae Evidence Modeling of protein sequence and biophysical properties (such as structural, functional, and spatial information, amino acid conservation, physicochemical variation, residue mobility, and thermodynamic stability) indicates that this missense variant is not expected to disrupt HARS protein function with a negative predictive value of 80%. Experimental studies have shown that this missense change does not substantially affect HARS function (PMID: 22930593). In summary, the available evidence is currently insufficient to determine the role of this variant in disease. Therefore, it has been classified as a Variant of Uncertain Significance.

Literature cited by the submitters: PubMed 22930593.

NM_002109.6(HARS1):c.713T>C (p.Val238Ala)

Gene: HARS1 (histidyl-tRNA synthetase 1; minus strand). Cytogenetic location: 5q31.3.
Variant type: single nucleotide variant.
Coding change: c.713T>C on transcript NM_002109.6 (MANE Select); coding-DNA position 713, T replaced by C.
Protein change: p.Val238Ala; replaces valine 238 with alanine.
Molecular consequence: missense variant.
Genome position (GRCh38, 1-based): chr5:140,677,671, A>G on the plus strand (T>C on the coding strand, the complement: HARS1 is on the minus strand). VCF-style: chr5-140677671-A-G. GRCh37 (hg19) VCF-style: chr5-140057256-A-G.
Other names: c.593T>C, p.Val198Ala (NM_001258040.3); c.653T>C, p.Val218Ala (NM_001258041.3); c.533T>C, p.Val178Ala (NM_001258042.3); c.491T>C, p.Val164Ala (NM_001289092.2); c.371T>C, p.Val124Ala (NM_001289093.2); c.626T>C, p.Val209Ala (NM_001289094.2); short protein forms V124A, V164A, V178A, V198A, V209A, V218A, V238A.
Identifiers: ClinVar variation 1020003 (VCV001020003.8), dbSNP rs536175170, ClinGen allele CA3444021.